The following is an entry in ClinVar:

ClinVar aggregate classification (germline): Uncertain significance (1 of 4 stars; one submission).

Submission:

GeneDx
Classification: Uncertain significance. Last evaluated: 2025-03-17. Review status: criteria provided, single submitter. Criteria: GeneDx Variant Classification Process June 2021. Collection method: clinical testing. Allele origin: germline. Affected: yes.
Comment: Not observed at significant frequency in large population cohorts (gnomAD); In silico analysis indicates that this missense variant does not alter protein structure/function; Has not been previously published as pathogenic or benign to our knowledge

NM_022841.7(RFX7):c.2878C>T (p.Pro960Ser)

Gene: RFX7 (regulatory factor X7; minus strand). Cytogenetic location: 15q21.3.
Variant type: single nucleotide variant.
Coding change: c.2878C>T on transcript NM_022841.7 (MANE Select); coding-DNA position 2878, C replaced by T.
Protein change: p.Pro960Ser; replaces proline 960 with serine.
Molecular consequence: missense variant.
Genome position (GRCh38, 1-based): chr15:56,094,850, G>A on the plus strand (C>T on the coding strand, the complement: RFX7 is on the minus strand). VCF-style: chr15-56094850-G-A. GRCh37 (hg19) VCF-style: chr15-56387048-G-A.
Other names: c.2587C>T, p.Pro863Ser (NM_001368073.2, NM_001368074.1, NM_001370554.1); c.2878C>T, p.Pro960Ser (NM_001370561.1); short protein forms P863S, P960S.
Identifiers: ClinVar variation 4086657 (VCV004086657.1).